The following is an entry in ClinVar:

NM_006129.5(BMP1):c.941G>A (p.Arg314His)

Gene: BMP1 (bone morphogenetic protein 1; plus strand). Cytogenetic location: 8p21.3.
Variant type: single nucleotide variant.
Coding change: c.941G>A on transcript NM_006129.5 (MANE Select); coding-DNA position 941, G replaced by A.
Protein change: p.Arg314His; replaces arginine 314 with histidine.
Molecular consequence: missense variant. On other transcripts: non-coding transcript variant (2).
Genome position (GRCh38, 1-based): chr8:22,179,809, G>A. VCF-style: chr8-22179809-G-A. GRCh37 (hg19) VCF-style: chr8-22037322-G-A.
Other names: c.941G>A, p.Arg314His (NM_001199.4); short protein forms R314H.
Identifiers: ClinVar variation 908566 (VCV000908566.17), dbSNP rs538263166, ClinGen allele CA4664472.
Genomic context (GRCh38, chr8:22,179,809, plus strand): 5'-GGGTGAAACCTCCCATTGGCCAAAGGACACGGCTCAGCAAGGGGGACATTGCCCAAGCCC[G>A]CAAGCTTTACAAGTGCCCAGGTCAGGGCAGAGAAGGGATGGGTGAGGGCGTGGAGGGCAG-3'
Protein context (NP_006120.1, residues 304-324): RLSKGDIAQA[Arg314His]KLYKCPACGE

ClinVar aggregate classification (germline): Benign/Likely benign. Review status: criteria provided, multiple submitters, no conflicts (2 of 4 stars). 5 submissions from 5 submitters: Benign (1); Likely benign (3). 1 of the submissions does not count toward it. Last evaluated 2026-02-04.

Conditions:
BMP1-related disorder. Also called: BMP1-related condition.
Osteogenesis imperfecta type 13. Also called: Osteogenesis imperfecta, type xiii; OI, TYPE XIII. Identifiers: Orphanet 666, MedGen C3553887, MONDO:0013924, OMIM 614856.
Osteogenesis imperfecta (OI). Identifiers: Orphanet 666, MedGen C0029434, MeSH D010013, MONDO:0019019.

Allele frequency attached by ClinVar (database versions not stated): TOPMed 0.00002; gnomAD exomes 0.00100; ExAC 0.00116; 1000 Genomes Project 0.00240; 1000 Genomes Project 30x 0.00265.
gnomAD v4.1: 776 of 1,613,892 alleles (0.048%); highest among the groups gnomAD compares: South Asian, 0.81%; 15 homozygotes.

Submissions (5):

Labcorp Genetics (formerly Invitae), Labcorp
Classification: Benign. Last evaluated: 2026-02-04. Review status: criteria provided, single submitter. Criteria: Invitae Variant Classification Sherloc (09022015). Collection method: clinical testing. Allele origin: germline.

ARUP Laboratories, Molecular Genetics and Genomics, ARUP Laboratories
Classification: Likely benign for Osteogenesis imperfecta type 13. Last evaluated: 2023-12-04. Review status: criteria provided, single submitter. Criteria: ARUP Molecular Germline Variant Investigation Process 2024. Collection method: clinical testing. Allele origin: germline.

Genome Diagnostics Laboratory, The Hospital for Sick Children
Classification: Likely benign for Osteogenesis imperfecta. Last evaluated: 2021-08-18. Review status: criteria provided, single submitter. Criteria: ACMG Guidelines, 2015. Collection method: clinical testing. Allele origin: germline.

Illumina Laboratory Services, Illumina
Classification: Likely benign for Osteogenesis imperfecta type 13. Last evaluated: 2018-01-12. Review status: criteria provided, single submitter. Criteria: ICSL Variant Classification Criteria 13 December 2019. Collection method: clinical testing. Allele origin: germline.
Comment: This variant was observed in the ICSL laboratory as part of a predisposition screen in an ostensibly healthy population. It had not been previously curated by ICSL or reported in the Human Gene Mutation Database (HGMD: prior to June 1st, 2018), and was therefore a candidate for classification through an automated scoring system. Utilizing variant allele frequency, disease prevalence and penetrance estimates, and inheritance mode, an automated score was calculated to assess if this variant is too frequent to cause the disease. Based on the score and internal cut-off values, a variant classified as likely benign is not then subjected to further curation. The score for this variant resulted in a classification of likely benign for this disease.

PreventionGenetics, part of Exact Sciences
Classification: Benign for BMP1-related condition. Last evaluated: 2020-01-23. Review status: no assertion criteria provided. Collection method: clinical testing. Allele origin: germline. Not counted in ClinVar's aggregate classification.
Comment: This variant is classified as benign based on ACMG/AMP sequence variant interpretation guidelines (Richards et al. 2015 PMID: 25741868, with internal and published modifications).